The following is an entry in ClinVar:

ClinVar aggregate classification (germline): Conflicting classifications of pathogenicity. Review status: criteria provided, conflicting classifications (1 of 4 stars). 7 submissions from 7 submitters: Uncertain significance (3); Likely benign (4). Last evaluated 2026-01-27.

Conditions:
Neuroblastoma, susceptibility to, 3. Also called: ALK-Related Neuroblastic Tumor Susceptibility. Identifiers: Orphanet 635, MedGen C2751681, MONDO:0013083, OMIM 613014.
Hereditary cancer-predisposing syndrome. Also called: Hereditary neoplastic syndrome; Neoplastic Syndromes, Hereditary; Tumor predisposition; Hereditary Cancer Syndrome. Identifiers: Orphanet 140162, MedGen C0027672, MeSH D009386, MONDO:0015356.
Familial isolated pituitary adenoma. Identifiers: Orphanet 314777, MedGen C2676191, MONDO:0017824.

Allele frequency attached by ClinVar (database versions not stated): gnomAD exomes 0.00001 and 0.00002; ExAC 0.00002; ESP Exome Variant Server 0.00008; gnomAD 0.00011 and 0.00012; TOPMed 0.00012.
gnomAD v4.1: 32 of 1,614,024 alleles (0.002%); highest among the groups gnomAD compares: African/African-American, 0.043%; no homozygotes.

Submissions (7):

Labcorp Genetics (formerly Invitae), Labcorp
Classification: Likely benign for Neuroblastoma, susceptibility to, 3. Last evaluated: 2026-01-27. Review status: criteria provided, single submitter. Criteria: Invitae Variant Classification Sherloc (09022015). Collection method: clinical testing. Allele origin: germline.

GeneDx
Classification: Uncertain significance. Last evaluated: 2025-01-10. Review status: criteria provided, single submitter. Criteria: GeneDx Variant Classification Process June 2021. Collection method: clinical testing. Allele origin: germline. Affected: yes.
Comment: Has not been previously published as pathogenic or benign to our knowledge; In silico analysis supports that this variant does not alter splicing

Ambry Genetics
Classification: Likely benign for Hereditary cancer-predisposing syndrome. Last evaluated: 2024-03-20. Review status: criteria provided, single submitter. Criteria: Ambry Variant Classification Scheme 2023. Collection method: clinical testing. Allele origin: germline.

Sema4
Classification: Likely benign for Hereditary cancer-predisposing syndrome. Last evaluated: 2022-02-27. Review status: criteria provided, single submitter. Criteria: Sema4 Curation Guidelines. Collection method: curation. Allele origin: germline.

St. Jude Molecular Pathology, St. Jude Children's Research Hospital
Classification: Uncertain significance for Familial isolated pituitary adenoma. Last evaluated: 2021-08-04. Review status: criteria provided, single submitter. Criteria: St. Jude Assertion Criteria 2020. Collection method: clinical testing. Allele origin: germline.

Eurofins Ntd Llc (ga)
Classification: Uncertain significance. Last evaluated: 2018-03-09. Review status: criteria provided, single submitter. Criteria: EGL ClinVar v180209 classification definitions. Collection method: clinical testing. Allele origin: germline. Observed: 1 variant allele, 1 heterozygote.

Illumina Laboratory Services, Illumina
Classification: Likely benign for Neuroblastoma, susceptibility to, 3. Last evaluated: 2018-01-12. Review status: criteria provided, single submitter. Criteria: ICSL Variant Classification Criteria 13 December 2019. Collection method: clinical testing. Allele origin: germline.
Comment: This variant was observed in the ICSL laboratory as part of a predisposition screen in an ostensibly healthy population. It had not been previously curated by ICSL or reported in the Human Gene Mutation Database (HGMD: prior to June 1st, 2018), and was therefore a candidate for classification through an automated scoring system. Utilizing variant allele frequency, disease prevalence and penetrance estimates, and inheritance mode, an automated score was calculated to assess if this variant is too frequent to cause the disease. Based on the score and internal cut-off values, a variant classified as likely benign is not then subjected to further curation. The score for this variant resulted in a classification of likely benign for this disease.

NM_004304.5(ALK):c.1283-5T>C

Gene: ALK (ALK receptor tyrosine kinase; minus strand). Cytogenetic location: 2p23.2.
Variant type: single nucleotide variant.
Coding change: c.1283-5T>C on transcript NM_004304.5 (MANE Select); 5 bases into the intron before coding-DNA position 1283, T replaced by C.
Molecular consequence: intron variant.
Genome position (GRCh38, 1-based): chr2:29,328,486, A>G on the plus strand (T>C on the coding strand, the complement: ALK is on the minus strand). VCF-style: chr2-29328486-A-G. GRCh37 (hg19) VCF-style: chr2-29551352-A-G.
Other names: c.1283-5T>C (NM_004304.3).
Identifiers: ClinVar variation 470745 (VCV000470745.27), dbSNP rs377214413, ClinGen allele CA1594689.